The following is an entry in ClinVar:

ClinVar aggregate classification (germline): Pathogenic (1 of 4 stars; one submission).

Conditions:
Autosomal recessive nonsyndromic hearing loss 67. Identifiers: Orphanet 90636, MedGen C1853223, MONDO:0012460, OMIM 610265.

Submission:

King Laboratory, University of Washington
Classification: Pathogenic for Autosomal recessive nonsyndromic hearing loss 67. Last evaluated: 2020-08-01. Review status: criteria provided, single submitter. Criteria: Abu Rayyan A et al. (Proc Natl Acad Sci U S A 2020). Collection method: research. Allele origin: germline. Affected: yes.
Comment: LHFPL5 c.676+1G>A disrupts the splice donor of exon 3 in the 3'UTR, leading to extension of 32 codons (PMID:30177809). It is absent from 1300 Palestinian controls and absent from gnomAD v2.1.1.

NM_182548.4(LHFPL5):c.*16+1G>A

Gene: LHFPL5 (LHFPL tetraspan subfamily member 5; plus strand). Cytogenetic location: 6p21.31.
Variant type: single nucleotide variant.
Coding change: c.*16+1G>A on transcript NM_182548.4 (MANE Select); the canonical splice donor site of the intron after 16 bases downstream of the stop codon, G replaced by A.
Molecular consequence: splice donor variant.
Genome position (GRCh38, 1-based): chr6:35,819,464, G>A. VCF-style: chr6-35819464-G-A. GRCh37 (hg19) VCF-style: chr6-35787241-G-A.
Other names: NM_182548.3:c.*16+1G>A.
Identifiers: ClinVar variation 1334122 (VCV001334122.2), dbSNP rs1445573930, ClinGen allele CA566494986.